The following is an entry in ClinVar:

ClinVar aggregate classification (germline): Likely pathogenic (1 of 4 stars; one submission).

Conditions:
Alport syndrome. Also called: Hemorrhagic familial nephritis; Hemorrhagic hereditary nephritis; Congenital hereditary hematuria. Identifiers: Orphanet 63, MedGen C1567741, MONDO:0018965.

gnomAD v4.1: 4 of 1,614,102 alleles (0.00025%); highest among the groups gnomAD compares: Non-Finnish European, 0.00034%; no homozygotes.

Submission:

Natera, Inc.
Classification: Likely pathogenic for Alport syndrome. Last evaluated: 2025-09-04. Review status: criteria provided, single submitter. Criteria: Natera Variant Classification Schema (03/2026). Collection method: clinical testing. Allele origin: germline.
Comment: The c.3902G>T variant in COL4A4 is a missense variant predicted to cause substitution of glycine to valine at amino acid 1301. This variant is rare in the general population with a frequency below the threshold expected for the associated phenotype(s). This variant is located in a functionally critical region of the protein. Computational prediction algorithms indicate this variant is likely to affect gene or protein function. Given the available evidence, this variant is classified as Likely Pathogenic.

NM_000092.5(COL4A4):c.3902G>T (p.Gly1301Val)

Gene: COL4A4 (collagen type IV alpha 4 chain; minus strand). Cytogenetic location: 2q36.3.
Variant type: single nucleotide variant.
Coding change: c.3902G>T on transcript NM_000092.5 (MANE Select); coding-DNA position 3902, G replaced by T.
Protein change: p.Gly1301Val; replaces glycine 1301 with valine.
Molecular consequence: missense variant.
Genome position (GRCh38, 1-based): chr2:227,030,514, C>A on the plus strand (G>T on the coding strand, the complement: COL4A4 is on the minus strand). VCF-style: chr2-227030514-C-A. GRCh37 (hg19) VCF-style: chr2-227895230-C-A.
Other names: short protein forms G1301V.
Identifiers: ClinVar variation 4817339 (VCV004817339.1).